The following is an entry in ClinVar:

ClinVar aggregate classification (germline): Uncertain significance. Review status: criteria provided, multiple submitters, no conflicts (2 of 4 stars). 2 submissions from 2 submitters: Uncertain significance (2). Last evaluated 2024-07-01.

Allele frequency attached by ClinVar (database versions not stated): gnomAD 0.00001; gnomAD exomes 0.00001; TOPMed 0.00002.
gnomAD v4.1: 12 of 1,608,940 alleles (0.00075%); highest among the groups gnomAD compares: Admixed American, 0.0033%; no homozygotes.

Submissions (2):

CeGaT Center for Human Genetics Tuebingen
Classification: Uncertain significance. Last evaluated: 2024-07-01. Review status: criteria provided, single submitter. Criteria: CeGaT Center For Human Genetics Tuebingen Variant Classification Criteria Version 2. Collection method: clinical testing. Allele origin: germline. Affected: yes. Observed: 1 variant allele.

Labcorp Genetics (formerly Invitae), Labcorp
Classification: Uncertain significance. Last evaluated: 2022-07-12. Review status: criteria provided, single submitter. Criteria: Invitae Variant Classification Sherloc (09022015). Collection method: clinical testing. Allele origin: germline.
Comment: This sequence change replaces arginine, which is basic and polar, with cysteine, which is neutral and slightly polar, at codon 380 of the SLC12A6 protein (p.Arg380Cys). This variant is present in population databases (no rsID available, gnomAD 0.003%). This variant has not been reported in the literature in individuals affected with SLC12A6-related conditions. Advanced modeling of protein sequence and biophysical properties (such as structural, functional, and spatial information, amino acid conservation, physicochemical variation, residue mobility, and thermodynamic stability) performed at Invitae indicates that this missense variant is expected to disrupt SLC12A6 protein function. In summary, the available evidence is currently insufficient to determine the role of this variant in disease. Therefore, it has been classified as a Variant of Uncertain Significance.

NM_001365088.1(SLC12A6):c.1138C>T (p.Arg380Cys)

Gene: SLC12A6 (solute carrier family 12 member 6; minus strand). Cytogenetic location: 15q14.
Variant type: single nucleotide variant.
Coding change: c.1138C>T on transcript NM_001365088.1 (MANE Select); coding-DNA position 1138, C replaced by T.
Protein change: p.Arg380Cys; replaces arginine 380 with cysteine.
Molecular consequence: missense variant.
Genome position (GRCh38, 1-based): chr15:34,252,365, G>A on the plus strand (C>T on the coding strand, the complement: SLC12A6 is on the minus strand). VCF-style: chr15-34252365-G-A. GRCh37 (hg19) VCF-style: chr15-34544566-G-A.
Other names: c.961C>T, p.Arg321Cys (NM_001042494.2, NM_001042495.2); c.1111C>T, p.Arg371Cys (NM_001042496.2); c.1093C>T, p.Arg365Cys (NM_001042497.2); c.985C>T, p.Arg329Cys (NM_005135.2); c.1138C>T, p.Arg380Cys (NM_133647.2); short protein forms R365C, R321C, R329C, R371C, R380C.
Identifiers: ClinVar variation 2145764 (VCV002145764.18), dbSNP rs932047360, ClinGen allele CA268638678.